The following is an entry in ClinVar:

NM_006393.3(NEBL):c.2391T>G (p.Phe797Leu)

Gene: NEBL (nebulette; minus strand). Cytogenetic location: 10p12.31.
Variant type: single nucleotide variant.
Coding change: c.2391T>G on transcript NM_006393.3 (MANE Select); coding-DNA position 2391, T replaced by G.
Protein change: p.Phe797Leu; replaces phenylalanine 797 with leucine.
Molecular consequence: missense variant.
Genome position (GRCh38, 1-based): chr10:20,812,896, A>C on the plus strand (T>G on the coding strand, the complement: NEBL is on the minus strand). VCF-style: chr10-20812896-A-C. GRCh37 (hg19) VCF-style: chr10-21101825-A-C.
Other names: c.402T>G, p.Phe134Leu (NM_001173484.2, NM_001377322.1, NM_213569.2); c.354T>G, p.Phe118Leu (NM_001377323.1); c.345T>G, p.Phe115Leu (NM_001377324.1); c.336T>G, p.Phe112Leu (NM_001377325.1); c.294T>G, p.Phe98Leu (NM_001377326.1, NM_001377327.1, NM_001377328.1); short protein forms F134L, F797L, F112L, F115L, F118L, F98L.
Identifiers: ClinVar variation 412260 (VCV000412260.10), dbSNP rs1060503681, ClinGen allele CA16612855.

ClinVar aggregate classification (germline): Uncertain significance (1 of 4 stars; one submission).

Conditions:
Primary dilated cardiomyopathy (DCM). Also called: Dilated Cardiomyopathy. Identifiers: Orphanet 217604, MedGen C0007193, MeSH D002311, MONDO:0005021, HP:0001644. Inheritance: Various modes of inheritance.

Submission:

Labcorp Genetics (formerly Invitae), Labcorp
Classification: Uncertain significance for Primary dilated cardiomyopathy. Last evaluated: 2018-08-29. Review status: criteria provided, single submitter. Criteria: Invitae Variant Classification Sherloc (09022015). Collection method: clinical testing. Allele origin: germline.
Comment: In summary, this variant is a novel missense change with uncertain impact on protein function. It has been classified as a Variant of Uncertain Significance. Algorithms developed to predict the effect of missense changes on protein structure and function do not agree on the potential impact of this missense change (SIFT: "Tolerated"; PolyPhen-2: "Possibly Damaging"; Align-GVGD: "Class C0"). This variant is not present in population databases (ExAC no frequency) and has not been reported in the literature in individuals with a NEBL-related disease. This sequence change replaces phenylalanine with leucine at codon 797 of the NEBL protein (p.Phe797Leu). The phenylalanine residue is moderately conserved and there is a small physicochemical difference between phenylalanine and leucine.